The following is an entry in ClinVar:

NM_003611.3(OFD1):c.1315C>G (p.Leu439Val)

Gene: OFD1 (OFD1 centriole and centriolar satellite protein; plus strand). Cytogenetic location: Xp22.2.
Variant type: single nucleotide variant.
Coding change: c.1315C>G on transcript NM_003611.3 (MANE Select); coding-DNA position 1315, C replaced by G.
Protein change: p.Leu439Val; replaces leucine 439 with valine.
Molecular consequence: missense variant.
Genome position (GRCh38, 1-based): chrX:13,756,671, C>G. VCF-style: chrX-13756671-C-G. GRCh37 (hg19) VCF-style: chrX-13774790-C-G.
Other names: c.1195C>G, p.Leu399Val (NM_001330209.2); c.895C>G, p.Leu299Val (NM_001330210.2); c.1315C>G (NM_003611.2); short protein forms L299V, L439V, L399V.
Identifiers: ClinVar variation 2692431 (VCV002692431.1), dbSNP rs1464067048, ClinGen allele CA412342735.

ClinVar aggregate classification (germline): Uncertain significance. Review status: criteria provided, multiple submitters, no conflicts (2 of 4 stars). 2 submissions from 2 submitters: Uncertain significance (2). Last evaluated 2025-12-09.

Conditions:
Primary ciliary dyskinesia. Also called: Ciliary dyskinesia. Identifiers: Orphanet 244, MedGen C0008780, MONDO:0016575, HP:0012265.

Allele frequency attached by ClinVar (database versions not stated): TOPMed 0.00001.

Submissions (2):

Ambry Genetics
Classification: Uncertain significance for Primary ciliary dyskinesia. Last evaluated: 2025-12-09. Review status: criteria provided, single submitter. Criteria: Ambry Variant Classification Scheme 2023. Collection method: clinical testing. Allele origin: germline.

Greenwood Genetic Center Diagnostic Laboratories, Greenwood Genetic Center
Classification: Uncertain significance. Last evaluated: 2023-10-04. Review status: criteria provided, single submitter. Criteria: ACMG Guidelines, 2015. Collection method: clinical testing. Allele origin: germline. Affected: yes.
Comment: PM2